The following is an entry in ClinVar:

NM_033310.3(KCNK4):c.843G>A (p.Thr281=)

Genes: KCNK4-CATSPERZ (KCNK4-CATSPERZ readthrough (NMD candidate); plus strand), KCNK4 (potassium two pore domain channel subfamily K member 4; plus strand). Cytogenetic location: 11q13.1.
Variant type: single nucleotide variant.
Coding change: c.843G>A on transcript NM_033310.3 (MANE Select); coding-DNA position 843, G replaced by A.
Protein change: p.Thr281=; no amino-acid change (threonine 281 retained).
Molecular consequence: synonymous variant. On other transcripts: non-coding transcript variant (3).
Genome position (GRCh38, 1-based): chr11:64,299,387, G>A. VCF-style: chr11-64299387-G-A. GRCh37 (hg19) VCF-style: chr11-64066859-G-A.
Other names: c.843G>A, p.Thr281= (NM_001317090.2).
Identifiers: ClinVar variation 1246421 (VCV001246421.15), dbSNP rs2232417, ClinGen allele CA6073198.
Genomic context (GRCh38, chr11:64,299,387, plus strand): 5'-GCTTTCCCTCTCCGTGCAGATGGGCGGCCTCACGGCTCAGGCTGCCAGCTGGACTGGCAC[G>A]GTGACAGCGCGCGTGACCCAGCGAGCCGGGCCCGCCGCCCCGCCGCCGGAGAAGGAGCAG-3'
Protein context (NP_201567.1, residues 271-291): LTAQAASWTG[Thr281=]VTARVTQRAG

ClinVar aggregate classification (germline): Benign. Review status: criteria provided, multiple submitters, no conflicts (2 of 4 stars). 5 submissions from 5 submitters: Benign (4). 1 of the submissions does not count toward it. Last evaluated 2026-02-04.

Conditions:
Facial dysmorphism, hypertrichosis, epilepsy, intellectual/developmental delay, and gingival overgrowth syndrome. Identifiers: Orphanet 598603, MedGen C5193066, MONDO:0032714, OMIM 618381.
KCNK4-related disorder. Also called: KCNK4-related condition.

Allele frequency attached by ClinVar (database versions not stated): gnomAD 0.85444 and 0.85176; gnomAD exomes 0.94148; ESP Exome Variant Server 0.88203; TOPMed 0.84224; 1000 Genomes Project 30x 0.78545; 1000 Genomes Project 0.79173; ExAC 0.93587.

Submissions (5):

Labcorp Genetics (formerly Invitae), Labcorp
Classification: Benign. Last evaluated: 2026-02-04. Review status: criteria provided, single submitter. Criteria: Invitae Variant Classification Sherloc (09022015). Collection method: clinical testing. Allele origin: germline.

Genome-Nilou Lab
Classification: Benign for Facial dysmorphism, hypertrichosis, epilepsy, intellectual/developmental delay, and gingival overgrowth syndrome. Last evaluated: 2021-08-19. Review status: criteria provided, single submitter. Criteria: ACMG Guidelines, 2015. Collection method: clinical testing. Allele origin: germline. Affected: no.

GeneDx
Classification: Benign. Last evaluated: 2020-03-07. Review status: criteria provided, single submitter. Criteria: GeneDx Variant Classification Process June 2021. Collection method: clinical testing. Allele origin: germline. Affected: yes.

Breakthrough Genomics
Classification: Benign. Review status: criteria provided, single submitter. Criteria: ACMG Guidelines, 2015. Collection method: not provided. Allele origin: germline. Inheritance: Autosomal dominant inheritance. Affected: yes.

PreventionGenetics, part of Exact Sciences
Classification: Benign for KCNK4-related condition. Last evaluated: 2019-10-24. Review status: no assertion criteria provided. Collection method: clinical testing. Allele origin: germline. Not counted in ClinVar's aggregate classification.
Comment: This variant is classified as benign based on ACMG/AMP sequence variant interpretation guidelines (Richards et al. 2015 PMID: 25741868, with internal and published modifications).